The following is an entry in ClinVar:

NM_001277115.2(DNAH11):c.2750A>T (p.Glu917Val)

Gene: DNAH11 (dynein axonemal heavy chain 11; plus strand). Cytogenetic location: 7p15.3.
Variant type: single nucleotide variant.
Coding change: c.2750A>T on transcript NM_001277115.2 (MANE Select); coding-DNA position 2750, A replaced by T.
Protein change: p.Glu917Val; replaces glutamic acid 917 with valine.
Molecular consequence: missense variant.
Genome position (GRCh38, 1-based): chr7:21,599,869, A>T. VCF-style: chr7-21599869-A-T. GRCh37 (hg19) VCF-style: chr7-21639487-A-T.
Other names: short protein forms E917V.
Identifiers: ClinVar variation 970151 (VCV000970151.17), dbSNP rs543944909, ClinGen allele CA4179424.

ClinVar aggregate classification (germline): Conflicting classifications of pathogenicity. Review status: criteria provided, conflicting classifications (1 of 4 stars). 6 submissions from 6 submitters: Uncertain significance (2); Likely benign (4). Last evaluated 2025-12-02.

Conditions:
Primary ciliary dyskinesia 7. Also called: CILIARY DYSKINESIA, PRIMARY, 7, WITH OR WITHOUT SITUS INVERSUS. Identifiers: Orphanet 244, MedGen C2678473, MONDO:0012748, OMIM 611884.
Primary ciliary dyskinesia. Also called: Ciliary dyskinesia. Identifiers: Orphanet 244, MedGen C0008780, MONDO:0016575, HP:0012265.

Allele frequency attached by ClinVar (database versions not stated): gnomAD 0.00001 and 0.00005; TOPMed 0.00003; gnomAD exomes 0.00014 and 0.00025; ExAC 0.00029; 1000 Genomes Project 30x 0.00047; 1000 Genomes Project 0.00060.
gnomAD v4.1: 211 of 1,610,788 alleles (0.013%); highest among the groups gnomAD compares: South Asian, 0.15%; 2 homozygotes.

Submissions (6):

Labcorp Genetics (formerly Invitae), Labcorp
Classification: Likely benign for Primary ciliary dyskinesia. Last evaluated: 2025-12-02. Review status: criteria provided, single submitter. Criteria: Invitae Variant Classification Sherloc (09022015). Collection method: clinical testing. Allele origin: germline.

ARUP Laboratories, Molecular Genetics and Genomics, ARUP Laboratories
Classification: Uncertain significance for Primary ciliary dyskinesia 7. Last evaluated: 2024-10-15. Review status: criteria provided, single submitter. Criteria: ARUP Molecular Germline Variant Investigation Process 2024. Collection method: clinical testing. Allele origin: germline.
Comment: The DNAH11 c.2750A>T; p.Glu917Val variant (rs543944909; ClinVar ID: 970151) is reported in the literature in a homozygous individual with a suspicion of primary ciliary dyskinesia and the compound heterozygous state in a fetus with conotruncal heart defects (Marshall 2015, Yi 2023). However, this variant is also found in the South Asian population with an allele frequency of 0.18% (55/30,372 alleles, including one homozygote) in the Genome Aggregation Database (v2.1.1). Computational analyses are uncertain whether this variant is neutral or deleterious (REVEL: 0.227). Due to limited and conflicting information, the clinical significance of this variant is uncertain at this time. References: Marshall CR et al. Whole-Exome Sequencing and Targeted Copy Number Analysis in Primary Ciliary Dyskinesia. G3 (Bethesda). 2015 Jul 2;5(8):1775-81. PMID: 26139845. Yi T et al. Genetic aetiology distribution of 398 foetuses with congenital heart disease in the prenatal setting. ESC Heart Fail. 2023 Apr;10(2):917-930. PMID: 36478645.

GeneDx
Classification: Uncertain significance. Last evaluated: 2024-04-24. Review status: criteria provided, single submitter. Criteria: GeneDx Variant Classification Process June 2021. Collection method: clinical testing. Allele origin: germline. Affected: yes.
Comment: Identified with a second DNAH11 variant in a patient with a conotruncal heart defect in published literature (PMID: 36478645); In silico analysis supports that this missense variant has a deleterious effect on protein structure/function; In silico analysis suggests this variant may impact gene splicing. In the absence of RNA/functional studies, the actual effect of this sequence change is unknown.; This variant is associated with the following publications: (PMID: 36478645, 26139845)

Ambry Genetics
Classification: Likely benign for Primary ciliary dyskinesia. Last evaluated: 2021-12-06. Review status: criteria provided, single submitter. Criteria: Ambry Variant Classification Scheme 2023. Collection method: clinical testing. Allele origin: germline.

Dubai Health Genomic Medicine Center, Dubai Health
Classification: Likely benign for Primary ciliary dyskinesia 7. Last evaluated: 2020-03-17. Review status: criteria provided, single submitter. Criteria: ACMG Guidelines, 2015. Collection method: clinical testing. Allele origin: germline. Affected: yes.

Breakthrough Genomics
Classification: Likely benign. Review status: criteria provided, single submitter. Criteria: ACMG Guidelines, 2015. Collection method: not provided. Allele origin: germline. Inheritance: Autosomal recessive inheritance. Affected: yes.

Literature cited by the submitters: PubMed 26139845 (cited by Ambry Genetics).